The following is an entry in ClinVar:

NM_001267550.2(TTN):c.32049A>G (p.Lys10683=)

Gene: TTN (titin; minus strand). Cytogenetic location: 2q31.2.
Variant type: single nucleotide variant.
Coding change: c.32049A>G on transcript NM_001267550.2 (MANE Select); coding-DNA position 32049, A replaced by G.
Protein change: p.Lys10683=; no amino-acid change (lysine 10683 retained).
Molecular consequence: synonymous variant. On other transcripts: intron variant (3).
Genome position (GRCh38, 1-based): chr2:178,689,099, T>C on the plus strand (A>G on the coding strand, the complement: TTN is on the minus strand). VCF-style: chr2-178689099-T-C. GRCh37 (hg19) VCF-style: chr2-179553826-T-C.
Other names: c.32049A>G (LRG_391t1); c.31098A>G, p.Lys10366= (NM_001256850.1); c.28317A>G, p.Lys9439= (NM_133378.4); c.13283-46782A>G (NM_003319.4); c.13859-46782A>G (NM_133437.4); c.13658-46782A>G (NM_133432.3).
Identifiers: ClinVar variation 378810 (VCV000378810.61), dbSNP rs375408527, ClinGen allele CA1998760.

ClinVar aggregate classification (germline): Benign/Likely benign. Review status: criteria provided, multiple submitters, no conflicts (2 of 4 stars). 14 submissions from 11 submitters: Benign (7); Likely benign (4). 3 of the submissions do not count toward it. Last evaluated 2026-08-01.

Conditions:
Early-onset myopathy with fatal cardiomyopathy (CMYO5). Also called: Salih Myopathy; CONGENITAL MYOPATHY 5 WITH CARDIOMYOPATHY. Identifiers: Orphanet 289377, MedGen C2673677, MONDO:0012714, OMIM 611705. Disease mechanism: loss of function.
Myopathy, myofibrillar, 9, with early respiratory failure (MFM9). Also called: Hereditary myopathy with early respiratory failure; Myopathy, distal, with early respiratory failure, autosomal dominant; MYOPATHY, PROXIMAL, WITH EARLY RESPIRATORY MUSCLE INVOLVEMENT; EDSTROM MYOPATHY. Identifiers: Orphanet 178464, Orphanet 34521, MedGen C1863599, MONDO:0011362, OMIM 603689.
TTN-related disorder. Also called: TTN-related condition; TTN-related disease; TTN-related disorders.
Autosomal recessive limb-girdle muscular dystrophy type 2J (LGMDR10). Also called: Limb-girdle muscular dystrophy, type 2J; MUSCULAR DYSTROPHY, LIMB-GIRDLE, AUTOSOMAL RECESSIVE 10. Identifiers: Orphanet 140922, MedGen C1837342, MONDO:0012127, OMIM 608807.
Tibial muscular dystrophy (TMD). Also called: Tibial muscular dystrophy, tardive; Udd Distal Myopathy – Tibial Muscular Dystrophy; UDD MYOPATHY. Identifiers: Orphanet 609, MedGen C1838244, MONDO:0010870, OMIM 600334.
Dilated cardiomyopathy 1G (CMD1G). Identifiers: Orphanet 154, MedGen C1858763, MONDO:0011400, OMIM 604145.

Allele frequency attached by ClinVar (database versions not stated): ESP Exome Variant Server 0.00025; gnomAD 0.00031 and 0.00035; TOPMed 0.00036; gnomAD exomes 0.00044 and 0.00057; ExAC 0.00073.
gnomAD v4.1: 686 of 1,612,218 alleles (0.043%); highest among the groups gnomAD compares: South Asian, 0.1%; 1 homozygote.

Submissions (14):

CeGaT Center for Human Genetics Tuebingen
Classification: Likely benign. Last evaluated: 2026-08-01. Review status: criteria provided, single submitter. Criteria: CeGaT Center For Human Genetics Tuebingen Variant Classification Criteria Version 2. Collection method: clinical testing. Allele origin: germline. Affected: yes. Observed: 3 variant alleles.
Comment: TTN: BP4, BP7

Labcorp Genetics (formerly Invitae), Labcorp
Classification: Benign for Dilated cardiomyopathy 1G; Autosomal recessive limb-girdle muscular dystrophy type 2J. Last evaluated: 2026-02-03. Review status: criteria provided, single submitter. Criteria: Invitae Variant Classification Sherloc (09022015). Collection method: clinical testing. Allele origin: germline.

PreventionGenetics, part of Exact Sciences
Classification: Likely benign for TTN-related condition. Last evaluated: 2025-10-23. Review status: criteria provided, single submitter. Criteria: ACMG Guidelines, 2015. Collection method: clinical testing. Allele origin: germline.
Comment: This variant is classified as likely benign based on ACMG/AMP sequence variant interpretation guidelines (Richards et al. 2015 PMID: 25741868, with internal and published modifications).

Blueprint Genetics
Classification: Likely benign. Last evaluated: 2024-11-06. Review status: criteria provided, single submitter. Criteria: ACMG Guidelines, 2015. Collection method: clinical testing. Allele origin: germline.

Genome-Nilou Lab
Classification: Benign for Autosomal recessive limb-girdle muscular dystrophy type 2J. Last evaluated: 2021-09-10. Review status: criteria provided, single submitter. Criteria: ACMG Guidelines, 2015. Collection method: clinical testing. Allele origin: germline. Affected: no.

Genome-Nilou Lab
Classification: Benign for Myopathy, myofibrillar, 9, with early respiratory failure. Last evaluated: 2021-09-10. Review status: criteria provided, single submitter. Criteria: ACMG Guidelines, 2015. Collection method: clinical testing. Allele origin: germline. Affected: no.

Genome-Nilou Lab
Classification: Benign for Early-onset myopathy with fatal cardiomyopathy. Last evaluated: 2021-09-10. Review status: criteria provided, single submitter. Criteria: ACMG Guidelines, 2015. Collection method: clinical testing. Allele origin: germline. Affected: no.

Genome-Nilou Lab
Classification: Benign for Tibial muscular dystrophy. Last evaluated: 2021-09-10. Review status: criteria provided, single submitter. Criteria: ACMG Guidelines, 2015. Collection method: clinical testing. Allele origin: germline. Affected: no.

Athena Diagnostics
Classification: Benign. Last evaluated: 2018-05-03. Review status: criteria provided, single submitter. Criteria: Athena Diagnostics Criteria. Collection method: clinical testing. Allele origin: germline.

Eurofins Ntd Llc (ga)
Classification: Likely benign. Last evaluated: 2017-11-16. Review status: criteria provided, single submitter. Criteria: EGL Classification Definitions 2015. Collection method: clinical testing. Allele origin: germline. Observed: 4 variant alleles, 3 heterozygotes.

GeneDx
Classification: Benign. Last evaluated: 2015-04-13. Review status: criteria provided, single submitter. Criteria: GeneDx Variant Classification (06012015). Collection method: clinical testing. Allele origin: germline. Affected: yes.
Comment: This variant is considered likely benign or benign based on one or more of the following criteria: it is a conservative change, it occurs at a poorly conserved position in the protein, it is predicted to be benign by multiple in silico algorithms, and/or has population frequency not consistent with disease.

Clinical Genetics, Academic Medical Center
Classification: Benign. Review status: no assertion criteria provided. Collection method: clinical testing. Allele origin: germline. Affected: yes. Study: VKGL Data-share Consensus. Not counted in ClinVar's aggregate classification.

Diagnostic Laboratory, Department of Genetics, University Medical Center Groningen
Classification: Likely benign. Review status: no assertion criteria provided. Collection method: clinical testing. Allele origin: germline. Affected: yes. Study: VKGL Data-share Consensus. Not counted in ClinVar's aggregate classification.

Joint Genome Diagnostic Labs from Nijmegen and Maastricht, Radboudumc and MUMC+
Classification: Benign. Review status: no assertion criteria provided. Collection method: clinical testing. Allele origin: germline. Affected: yes. Study: VKGL Data-share Consensus. Not counted in ClinVar's aggregate classification.